The following is an entry in ClinVar:

NM_012123.4(MTO1):c.983G>A (p.Arg328His)

Gene: MTO1 (mitochondrial tRNA translation optimization 1; plus strand). Cytogenetic location: 6q13.
Variant type: single nucleotide variant.
Coding change: c.983G>A on transcript NM_012123.4 (MANE Select); coding-DNA position 983, G replaced by A.
Protein change: p.Arg328His; replaces arginine 328 with histidine.
Molecular consequence: missense variant.
Genome position (GRCh38, 1-based): chr6:73,479,980, G>A. VCF-style: chr6-73479980-G-A. GRCh37 (hg19) VCF-style: chr6-74189703-G-A.
Other names: p.Arg328His; c.983G>A, p.Arg328His (NM_001123226.2, NM_133645.3); short protein forms R328H.
Identifiers: ClinVar variation 473197 (VCV000473197.9), dbSNP rs142148270, ClinGen allele CA3889494.
Genomic context (GRCh38, chr6:73,479,980, plus strand): 5'-AAATGTTCTATTCTAGATACTGTCCCTCCATTGAATCAAAAGTTTTGCGTTTTCCAAACC[G>A]TCTACATCAGGTTTGGTTGGAACCTGAAGGAATGGATTCTGACCTTATCTACCCACAGGG-3'
Protein context (NP_036255.2, residues 318-338): IESKVLRFPN[Arg328His]LHQVWLEPEG

ClinVar aggregate classification (germline): Uncertain significance. Review status: criteria provided, multiple submitters, no conflicts (2 of 4 stars). 3 submissions from 3 submitters: Uncertain significance (3). Last evaluated 2025-01-22.

Conditions:
Mitochondrial hypertrophic cardiomyopathy with lactic acidosis due to MTO1 deficiency. Also called: CARDIOMYOPATHY, INFANTILE HYPERTROPHIC MITOCHONDRIAL, AND LACTIC ACIDOSIS; Combined oxidative phosphorylation deficiency 10. Identifiers: Orphanet 314637, MedGen C4749921, MONDO:0013865, OMIM 614702.

Allele frequency attached by ClinVar (database versions not stated): ESP Exome Variant Server 0.00023; TOPMed 0.00016; gnomAD 0.00006.
gnomAD v4.1: 302 of 1,613,822 alleles (0.019%); highest among the groups gnomAD compares: South Asian, 0.092%; no homozygotes.

Submissions (3):

GeneDx
Classification: Uncertain significance. Last evaluated: 2025-01-22. Review status: criteria provided, single submitter. Criteria: GeneDx Variant Classification Process June 2021. Collection method: clinical testing. Allele origin: germline. Affected: yes.
Comment: In silico analysis supports that this missense variant has a deleterious effect on protein structure/function; Has not been previously published as pathogenic or benign to our knowledge

Mayo Clinic Laboratories, Mayo Clinic
Classification: Uncertain significance. Last evaluated: 2024-09-12. Review status: criteria provided, single submitter. Criteria: ACMG Guidelines, 2015. Collection method: clinical testing. Allele origin: germline. Observed: 5 variant alleles.
Comment: PP3

Labcorp Genetics (formerly Invitae), Labcorp
Classification: Uncertain significance for Mitochondrial hypertrophic cardiomyopathy with lactic acidosis due to MTO1 deficiency. Last evaluated: 2022-06-20. Review status: criteria provided, single submitter. Criteria: Invitae Variant Classification Sherloc (09022015). Collection method: clinical testing. Allele origin: germline.
Comment: This sequence change replaces arginine, which is basic and polar, with histidine, which is basic and polar, at codon 328 of the MTO1 protein (p.Arg328His). This variant is present in population databases (rs142148270, gnomAD 0.08%). This variant has not been reported in the literature in individuals affected with MTO1-related conditions. ClinVar contains an entry for this variant (Variation ID: 473197). Algorithms developed to predict the effect of missense changes on protein structure and function are either unavailable or do not agree on the potential impact of this missense change (SIFT: "Tolerated"; PolyPhen-2: "Probably Damaging"; Align-GVGD: "Class C0"). In summary, the available evidence is currently insufficient to determine the role of this variant in disease. Therefore, it has been classified as a Variant of Uncertain Significance.